The following is an entry in ClinVar:

NM_000540.3(RYR1):c.2069G>A (p.Gly690Asp)

Gene: RYR1 (ryanodine receptor 1; plus strand). Cytogenetic location: 19q13.2.
Variant type: single nucleotide variant.
Coding change: c.2069G>A on transcript NM_000540.3 (MANE Select); coding-DNA position 2069, G replaced by A.
Protein change: p.Gly690Asp; replaces glycine 690 with aspartic acid.
Molecular consequence: missense variant.
Genome position (GRCh38, 1-based): chr19:38,458,194, G>A. VCF-style: chr19-38458194-G-A. GRCh37 (hg19) VCF-style: chr19-38948834-G-A.
Other names: c.2069G>A, p.Gly690Asp (NM_001042723.2); short protein forms G690D.
Identifiers: ClinVar variation 3627062 (VCV003627062.2).

ClinVar aggregate classification (germline): Uncertain significance (1 of 4 stars; one submission).

Conditions:
RYR1-related disorder. Also called: RYR1-related condition; RYR1-related disorders. Identifiers: MedGen CN239331.

gnomAD v4.1: 1 of 1,612,068 alleles (0.000062%); highest among the groups gnomAD compares: Non-Finnish European, 0.000085%; no homozygotes.

Submission:

Labcorp Genetics (formerly Invitae), Labcorp
Classification: Uncertain significance for RYR1-related disorder. Last evaluated: 2024-08-28. Review status: criteria provided, single submitter. Criteria: Invitae Variant Classification Sherloc (09022015). Collection method: clinical testing. Allele origin: germline.
Comment: This sequence change replaces glycine, which is neutral and non-polar, with aspartic acid, which is acidic and polar, at codon 690 of the RYR1 protein (p.Gly690Asp). This variant is not present in population databases (gnomAD no frequency). This variant has not been reported in the literature in individuals affected with RYR1-related conditions. Invitae Evidence Modeling of protein sequence and biophysical properties (such as structural, functional, and spatial information, amino acid conservation, physicochemical variation, residue mobility, and thermodynamic stability) has been performed for this missense variant. However, the output from this modeling did not meet the statistical confidence thresholds required to predict the impact of this variant on RYR1 protein function. In summary, the available evidence is currently insufficient to determine the role of this variant in disease. Therefore, it has been classified as a Variant of Uncertain Significance.